The following is an entry in ClinVar:

NM_025219.3(DNAJC5):c.*2563A>C

Gene: DNAJC5 (DnaJ heat shock protein family (Hsp40) member C5; plus strand). Cytogenetic location: 20q13.33.
Variant type: single nucleotide variant.
Coding change: c.*2563A>C on transcript NM_025219.3 (MANE Select); 2563 bases downstream of the stop codon, A replaced by C.
Molecular consequence: 3 prime UTR variant.
Genome position (GRCh38, 1-based): chr20:63,934,131, A>C. VCF-style: chr20-63934131-A-C. GRCh37 (hg19) VCF-style: chr20-62565484-A-C.
Identifiers: ClinVar variation 898187 (VCV000898187.4), dbSNP rs188604040, ClinGen allele CA317525607.

ClinVar aggregate classification (germline): Benign (1 of 4 stars; one submission).

Conditions:
Ceroid lipofuscinosis, neuronal, 4 (Kufs type) (CLN4). Also called: Ceroid lipofuscinosis, neuronal, 4, Parry type; Neuronal ceroid lipofuscinosis 4B. Identifiers: Orphanet 228343, Orphanet 79262, MedGen C1834207, MONDO:0008083, OMIM 162350.

Allele frequency attached by ClinVar (database versions not stated): gnomAD 0.00006 and 0.00019; TOPMed 0.00010; 1000 Genomes Project 30x 0.00094; 1000 Genomes Project 0.00120.

Submission:

Illumina Laboratory Services, Illumina
Classification: Benign for Ceroid lipofuscinosis, neuronal, 4 (Kufs type). Last evaluated: 2018-01-13. Review status: criteria provided, single submitter. Criteria: ICSL Variant Classification Criteria 13 December 2019. Collection method: clinical testing. Allele origin: germline.
Comment: This variant was observed in the ICSL laboratory as part of a predisposition screen in an ostensibly healthy population. It had not been previously curated by ICSL or reported in the Human Gene Mutation Database (HGMD: prior to June 1st, 2018), and was therefore a candidate for classification through an automated scoring system. Utilizing variant allele frequency, disease prevalence and penetrance estimates, and inheritance mode, an automated score was calculated to assess if this variant is too frequent to cause the disease. Based on the score and internal cut-off values, a variant classified as benign is not then subjected to further curation. The score for this variant resulted in a classification of benign for this disease.